The following is an entry in ClinVar:

NM_002834.5(PTPN11):c.1511T>C (p.Met504Thr)

Gene: PTPN11 (protein tyrosine phosphatase non-receptor type 11; plus strand). Cytogenetic location: 12q24.13.
Variant type: single nucleotide variant.
Coding change: c.1511T>C on transcript NM_002834.5 (MANE Select); coding-DNA position 1511, T replaced by C.
Protein change: p.Met504Thr; replaces methionine 504 with threonine.
Molecular consequence: missense variant.
Genome position (GRCh38, 1-based): chr12:112,489,087, T>C. VCF-style: chr12-112489087-T-C. GRCh37 (hg19) VCF-style: chr12-112926891-T-C.
Other names: c.1523T>C, p.Met508Thr (NM_001330437.2); c.1508T>C, p.Met503Thr (NM_001374625.1); short protein forms M503T, M504T, M508T.
Identifiers: ClinVar variation 5007629 (VCV005007629.1).

ClinVar aggregate classification (germline): Likely pathogenic (1 of 4 stars; one submission).

Conditions:
Noonan syndrome 1 (NS1). Also called: PTPN11-Related Noonan Syndrome; TURNER PHENOTYPE WITH NORMAL KARYOTYPE; FEMALE PSEUDO-TURNER SYNDROME. Identifiers: Orphanet 648, MedGen C4551602, MONDO:0008104, OMIM 163950. Disease mechanism: gain of function.

Submission:

Juno Genomics, Hangzhou Juno Genomics, Inc
Classification: Likely pathogenic for Noonan syndrome 1. Review status: criteria provided, single submitter. Criteria: ACMG Guidelines, 2015. Collection method: clinical testing. Allele origin: germline. Affected: yes.
Comment: Missense variant in a gene that has a low rate of benign missense variation.;Multiple lines of computational evidence support a deleterious effect on the gene or gene product.;The prevalence of the variant in affected individuals is significantly increased compared to the prevalence in controls.;Novel missense change at an amino acid residue where a different missense change determined to be pathogenic has been seen before.;De novo (both maternity and paternity confirmed) in a patient with the disease and no family history.